The following is an entry in ClinVar:

NM_001384140.1(PCDH15):c.475-2A>C

Gene: PCDH15 (protocadherin related 15; minus strand). Cytogenetic location: 10q21.1.
Variant type: single nucleotide variant.
Coding change: c.475-2A>C on transcript NM_001384140.1 (MANE Select); the canonical splice acceptor site of the intron before coding-DNA position 475, A replaced by C.
Molecular consequence: splice acceptor variant.
Genome position (GRCh38, 1-based): chr10:54,346,486, T>G on the plus strand (A>C on the coding strand, the complement: PCDH15 is on the minus strand). VCF-style: chr10-54346486-T-G. GRCh37 (hg19) VCF-style: chr10-56106246-T-G.
Other names: c.475-2A>C (NM_001354420.2, NM_001354429.2, NM_001142772.2 and 8 more transcripts); c.490-2A>C (NM_001142771.2, NM_001142769.3, NM_001142763.2); c.409-2A>C (NM_001354404.2, NM_001142773.2, NM_001142768.2).
Identifiers: ClinVar variation 2840473 (VCV002840473.3), dbSNP rs2547717373, ClinGen allele CA376541846.

ClinVar aggregate classification (germline): Likely pathogenic (1 of 4 stars; one submission).

Submission:

Labcorp Genetics (formerly Invitae), Labcorp
Classification: Likely pathogenic. Last evaluated: 2023-03-05. Review status: criteria provided, single submitter. Criteria: Invitae Variant Classification Sherloc (09022015). Collection method: clinical testing. Allele origin: germline.
Comment: This variant is not present in population databases (gnomAD no frequency). In summary, the currently available evidence indicates that the variant is pathogenic, but additional data are needed to prove that conclusively. Therefore, this variant has been classified as Likely Pathogenic. Algorithms developed to predict the effect of sequence changes on RNA splicing suggest that this variant may disrupt the consensus splice site. This variant has not been reported in the literature in individuals affected with PCDH15-related conditions. This sequence change affects an acceptor splice site in intron 5 of the PCDH15 gene. It is expected to disrupt RNA splicing. Variants that disrupt the donor or acceptor splice site typically lead to a loss of protein function (PMID: 16199547), and loss-of-function variants in PCDH15 are known to be pathogenic (PMID: 11398101, 11487575, 14570705).

Literature cited by the submitters: PubMed 16199547; PubMed 11398101; PubMed 11487575; PubMed 14570705.